The following is an entry in ClinVar:

NM_006939.4(SOS2):c.2189C>T (p.Ser730Leu)

Gene: SOS2 (SOS Ras/Rho guanine nucleotide exchange factor 2; minus strand). Cytogenetic location: 14q21.3.
Variant type: single nucleotide variant.
Coding change: c.2189C>T on transcript NM_006939.4 (MANE Select); coding-DNA position 2189, C replaced by T.
Protein change: p.Ser730Leu; replaces serine 730 with leucine.
Molecular consequence: missense variant.
Genome position (GRCh38, 1-based): chr14:50,150,203, G>A on the plus strand (C>T on the coding strand, the complement: SOS2 is on the minus strand). VCF-style: chr14-50150203-G-A. GRCh37 (hg19) VCF-style: chr14-50616921-G-A.
Other names: c.2090C>T, p.Ser697Leu (NM_001411020.1); short protein forms S697L, S730L.
Identifiers: ClinVar variation 5030041 (VCV005030041.1).

ClinVar aggregate classification (germline): Uncertain significance (1 of 4 stars; one submission).

Conditions:
Cardiovascular phenotype. Identifiers: MedGen CN230736.

gnomAD v4.1: 1 of 1,611,886 alleles (0.000062%); no homozygotes.

Submission:

Ambry Genetics
Classification: Uncertain significance for Cardiovascular phenotype. Last evaluated: 2026-09-14. Review status: criteria provided, single submitter. Criteria: Ambry Variant Classification Scheme 2023. Collection method: clinical testing. Allele origin: germline.
Comment: The p.S730L variant (also known as c.2189C>T), located in coding exon 14 of the SOS2 gene, results from a C to T substitution at nucleotide position 2189. The serine at codon 730 is replaced by leucine, an amino acid with dissimilar properties. This amino acid position is conserved. In addition, this alteration is predicted to be deleterious by in silico analysis. Based on the available evidence, the clinical significance of this variant remains unclear.